The following is an entry in ClinVar:

NM_020778.5(ALPK3):c.3340C>T (p.Arg1114Ter)

Gene: ALPK3 (alpha kinase 3; plus strand). Cytogenetic location: 15q25.3.
Variant type: single nucleotide variant.
Coding change: c.3340C>T on transcript NM_020778.5 (MANE Select); coding-DNA position 3340, C replaced by T.
Protein change: p.Arg1114Ter; replaces arginine 1114 with a stop codon.
Molecular consequence: nonsense.
Genome position (GRCh38, 1-based): chr15:84,858,078, C>T. VCF-style: chr15-84858078-C-T. GRCh37 (hg19) VCF-style: chr15-85401309-C-T.
Other names: c.3946C>T (NM_020778.4); short protein forms R1114*.
Identifiers: ClinVar variation 1414127 (VCV001414127.10), dbSNP rs751041696, ClinGen allele CA7709602.

ClinVar aggregate classification (germline): Pathogenic/Likely pathogenic. Review status: criteria provided, multiple submitters, no conflicts (2 of 4 stars). 4 submissions from 4 submitters: Pathogenic (3); Likely pathogenic (1). Last evaluated 2025-10-06.

Conditions:
ALPK3-related disorder. Also called: ALPK3-related condition.
Cardiomyopathy, familial hypertrophic 27. Identifiers: MedGen C4748014, MONDO:0054838, OMIM 618052.
Cardiovascular phenotype. Identifiers: MedGen CN230736.

Allele frequency attached by ClinVar (database versions not stated): ExAC 0.00001; gnomAD 0.00001; gnomAD exomes 0.00002; TOPMed 0.00002.

Submissions (4):

Labcorp Genetics (formerly Invitae), Labcorp
Classification: Pathogenic. Last evaluated: 2025-10-06. Review status: criteria provided, single submitter. Criteria: Invitae Variant Classification Sherloc (09022015). Collection method: clinical testing. Allele origin: germline.
Comment: This sequence change creates a premature translational stop signal (p.Arg1316*) in the ALPK3 gene. It is expected to result in an absent or disrupted protein product. Loss-of-function variants in ALPK3 are known to be pathogenic (PMID: 21441111, 26846950, 27106955, 34263907). This variant is present in population databases (rs751041696, gnomAD 0.01%). This variant has not been reported in the literature in individuals affected with ALPK3-related conditions. ClinVar contains an entry for this variant (Variation ID: 1414127). For these reasons, this variant has been classified as Pathogenic.

3billion
Classification: Pathogenic for Cardiomyopathy, familial hypertrophic 27. Last evaluated: 2024-12-12. Review status: criteria provided, single submitter. Criteria: ACMG Guidelines, 2015. Collection method: clinical testing. Allele origin: germline. Affected: yes.
Comment: The variant is observed at an extremely low frequency in the gnomAD v4.1.0 dataset (total allele frequency: <0.001%). Predicted Consequence/Location: Stop-gained (nonsense): predicted to result in a loss or disruption of normal protein function through nonsense-mediated decay (NMD) or protein truncation. Multiple pathogenic variants are reported downstream of the variant. The variant has been reported at least twice as pathogenic without evidence for the classification (ClinVar ID: VCV001414127 /3billion dataset). Therefore, this variant is classified as Pathogenic according to the recommendation of ACMG/AMP guideline.

Blueprint Genetics
Classification: Likely pathogenic for ALPK3-related disorders. Last evaluated: 2023-10-06. Review status: criteria provided, single submitter. Criteria: ACMG Guidelines, 2015. Collection method: clinical testing. Allele origin: germline. Affected: yes. Observed: 1 variant allele.

Ambry Genetics
Classification: Pathogenic for Cardiovascular phenotype. Last evaluated: 2023-03-01. Review status: criteria provided, single submitter. Criteria: Ambry Variant Classification Scheme 2023. Collection method: clinical testing. Allele origin: germline.
Comment: The p.R1316* pathogenic mutation (also known as c.3946C>T), located in coding exon 6 of the ALPK3 gene, results from a C to T substitution at nucleotide position 3946. This changes the amino acid from an arginine to a stop codon within coding exon 6. This alteration is expected to result in loss of function by premature protein truncation or nonsense-mediated mRNA decay. As such, this alteration is interpreted as a disease-causing mutation.

Literature cited by the submitters: PubMed 21441111 (cited by Labcorp Genetics (formerly Invitae), Labcorp); PubMed 26846950 (cited by Labcorp Genetics (formerly Invitae), Labcorp); PubMed 27106955 (cited by Labcorp Genetics (formerly Invitae), Labcorp); PubMed 34263907 (cited by Labcorp Genetics (formerly Invitae), Labcorp).